The following is an entry in ClinVar:

ClinVar aggregate classification (germline): Likely pathogenic (1 of 4 stars; one submission).

Conditions:
Hereditary diffuse gastric adenocarcinoma (HDGC). Also called: DIFFUSE GASTRIC AND LOBULAR BREAST CANCER SYNDROME. Identifiers: Orphanet 26106, MedGen C1708349, MONDO:0007648, OMIM 137215.

Submission:

Labcorp Genetics (formerly Invitae), Labcorp
Classification: Likely pathogenic for Hereditary diffuse gastric adenocarcinoma. Last evaluated: 2019-10-21. Review status: criteria provided, single submitter. Criteria: Invitae Variant Classification Sherloc (09022015). Collection method: clinical testing. Allele origin: germline.
Comment: This variant is an in-frame deletion of the genomic region encompassing exons 6-9 of the CDH1 gene. It preserves the integrity of the reading frame. Similar deletions have not been reported in the literature in individuals with CDH1-related disease.¬†This variant has been observed in an individual affected with diffuse gastric cancer (Invitae). Experimental studies and prediction algorithms are not available for this variant.¬†However, this deletion is expected to remove 211 amino acids from the extracellular domain of the CDH1 protein¬†(p.Leu230_Lys440del), very likely impacting its stability and/or function (PMID: 10439038, 10830618, 19268661, 22850631). In summary, the currently available evidence indicates that the variant is pathogenic, but additional data are needed to prove that conclusively. Therefore, this variant has been classified as Likely Pathogenic.

Literature cited by the submitters: PubMed 10439038; PubMed 10830618; PubMed 19268661; PubMed 22850631.

NC_000016.10:g.(?_68810187)_(68813505_?)del

Gene: CDH1 (cadherin 1; plus strand). Cytogenetic location: 16q22.1.
Variant type: Deletion.
Identifiers: ClinVar variation 662291 (VCV000662291.6).